The following is an entry in ClinVar:

NM_152558.5(IQCE):c.259+4T>C

Genes: IQCE (IQ motif containing E; plus strand), LOC126859928 (CDK7 strongly-dependent group 2 enhancer GRCh37_chr7:2611286-2612485; plus strand). Cytogenetic location: 7p22.3.
Variant type: single nucleotide variant.
Coding change: c.259+4T>C on transcript NM_152558.5 (MANE Select); 4 bases into the intron after coding-DNA position 259, T replaced by C.
Molecular consequence: intron variant.
Genome position (GRCh38, 1-based): chr7:2,571,658, T>C. VCF-style: chr7-2571658-T-C. GRCh37 (hg19) VCF-style: chr7-2611292-T-C.
Other names: c.211+4T>C (NM_001410865.1, NM_001287500.2); c.64+4T>C (NM_001287501.2, NM_001287502.2); c.259+4T>C (NM_001287499.2).
Identifiers: ClinVar variation 4084532 (VCV004084532.8).

ClinVar aggregate classification (germline): Likely benign (1 of 4 stars; one submission).

gnomAD v4.1: 196 of 1,598,730 alleles (0.012%); highest among the groups gnomAD compares: South Asian, 0.14%; 1 homozygote.

Submission:

CeGaT Center for Human Genetics Tuebingen
Classification: Likely benign. Last evaluated: 2025-07-01. Review status: criteria provided, single submitter. Criteria: CeGaT Center For Human Genetics Tuebingen Variant Classification Criteria Version 2. Collection method: clinical testing. Allele origin: germline. Affected: yes. Observed: 1 variant allele.
Comment: IQCE: BP4